The following is an entry in ClinVar:

ClinVar aggregate classification (germline): Uncertain significance (1 of 4 stars; one submission).

Conditions:
Inborn genetic diseases. Identifiers: MedGen C0950123, MeSH D030342.

Submission:

Ambry Genetics
Classification: Uncertain significance for Inborn genetic diseases. Last evaluated: 2025-07-17. Review status: criteria provided, single submitter. Criteria: Ambry Variant Classification Scheme 2023. Collection method: clinical testing. Allele origin: germline.
Comment: The p.N947S variant (also known as c.2840A>G), located in coding exon 12 of the BMPR2 gene, results from an A to G substitution at nucleotide position 2840. The asparagine at codon 947 is replaced by serine, an amino acid with highly similar properties. This amino acid position is conserved. In addition, this alteration is predicted to be tolerated by in silico analysis. Based on the available evidence, the clinical significance of this variant remains unclear.

NM_001204.7(BMPR2):c.2840A>G (p.Asn947Ser)

Gene: BMPR2 (bone morphogenetic protein receptor type 2; plus strand). Cytogenetic location: 2q33.2.
Variant type: single nucleotide variant.
Coding change: c.2840A>G on transcript NM_001204.7 (MANE Select); coding-DNA position 2840, A replaced by G.
Protein change: p.Asn947Ser; replaces asparagine 947 with serine.
Molecular consequence: missense variant.
Genome position (GRCh38, 1-based): chr2:202,556,505, A>G. VCF-style: chr2-202556505-A-G. GRCh37 (hg19) VCF-style: chr2-203421228-A-G.
Other names: short protein forms N947S.
Identifiers: ClinVar variation 4214450 (VCV004214450.1).